The following is an entry in ClinVar:

NM_005751.5(AKAP9):c.3109A>G (p.Lys1037Glu)

Gene: AKAP9 (A-kinase anchoring protein 9; plus strand). Cytogenetic location: 7q21.2.
Variant type: single nucleotide variant.
Coding change: c.3109A>G on transcript NM_005751.5 (MANE Select); coding-DNA position 3109, A replaced by G.
Protein change: p.Lys1037Glu; replaces lysine 1037 with glutamic acid.
Molecular consequence: missense variant.
Genome position (GRCh38, 1-based): chr7:92,003,026, A>G. VCF-style: chr7-92003026-A-G. GRCh37 (hg19) VCF-style: chr7-91632340-A-G.
Other names: c.3109A>G, p.Lys1037Glu (NM_147185.3); short protein forms K1037E.
Identifiers: ClinVar variation 3721890 (VCV003721890.2).
Genomic context (GRCh38, chr7:92,003,026, plus strand): 5'-AGCTCTTTATTAGATGGAGTTGTGACCATGACAAGCAGGGGTGCTGAAGGATCAGTTTCT[A>G]AAGTAAATAAAAGTTTTGGTGAAGAATCAAAAATAATGGTGGAAGATAAAGTTTCTTTTG-3'
Protein context (NP_005742.4, residues 1027-1047): TSRGAEGSVS[Lys1037Glu]VNKSFGEESK

ClinVar aggregate classification (germline): Uncertain significance (1 of 4 stars; one submission).

Conditions:
Long QT syndrome (LQTS). Identifiers: MedGen C0023976, MeSH D008133, MONDO:0002442. Disease mechanism: loss of function. Inheritance: Various modes of inheritance.

gnomAD v4.1: 2 of 1,613,278 alleles (0.00012%); highest among the groups gnomAD compares: Admixed American, 0.0017%; no homozygotes.

Submission:

Labcorp Genetics (formerly Invitae), Labcorp
Classification: Uncertain significance for Long QT syndrome. Last evaluated: 2024-09-30. Review status: criteria provided, single submitter. Criteria: Invitae Variant Classification Sherloc (09022015). Collection method: clinical testing. Allele origin: germline.
Comment: This sequence change replaces lysine, which is basic and polar, with glutamic acid, which is acidic and polar, at codon 1037 of the AKAP9 protein (p.Lys1037Glu). This variant is present in population databases (rs778273738, gnomAD 0.003%). This variant has not been reported in the literature in individuals affected with AKAP9-related conditions. An algorithm developed to predict the effect of missense changes on protein structure and function outputs the following: PolyPhen-2: "Benign". The glutamic acid amino acid residue is found in multiple mammalian species, which suggests that this missense change does not adversely affect protein function. In summary, the available evidence is currently insufficient to determine the role of this variant in disease. Therefore, it has been classified as a Variant of Uncertain Significance.